The following is an entry in ClinVar:

ClinVar aggregate classification (germline): Likely benign (0 of 4 stars; one submission).

Conditions:
COL6A5-related disorder. Also called: COL6A5-related condition.

Submission:

PreventionGenetics, part of Exact Sciences
Classification: Likely benign for COL6A5-related condition. Last evaluated: 2020-09-25. Review status: no assertion criteria provided. Collection method: clinical testing. Allele origin: germline.
Comment: This variant is classified as likely benign based on ACMG/AMP sequence variant interpretation guidelines (Richards et al. 2015 PMID: 25741868, with internal and published modifications).

NM_001278298.2(COL6A5):c.4825-4dup

Gene: COL6A5 (collagen type VI alpha 5 chain; plus strand). Cytogenetic location: 3q22.1.
Variant type: Duplication.
Coding change: c.4825-4dup on transcript NM_001278298.2 (MANE Select); 4 bases into the intron before coding-DNA position 4825, one base duplicated (T; older notation c.4825-4dupT).
Molecular consequence: intron variant.
Genome position (GRCh38, 1-based): chr3:130,416,753, T duplicated; the last of 9 consecutive T bases (chr3:130,416,745-130,416,753); duplicating any one gives the same sequence. VCF-style (leftmost placement, unchanged base first): chr3-130416744-A-AT. GRCh37 (hg19) VCF-style: chr3-130135588-A-AT.
Other names: c.4825-4dup (NM_153264.7).
Identifiers: ClinVar variation 3055907 (VCV003055907.2), dbSNP rs370724227, ClinGen allele CA435644060.